The following is an entry in ClinVar:

NM_001943.5(DSG2):c.679T>G (p.Leu227Val)

Gene: DSG2 (desmoglein 2; plus strand). Cytogenetic location: 18q12.1.
Variant type: single nucleotide variant.
Coding change: c.679T>G on transcript NM_001943.5 (MANE Select); coding-DNA position 679, T replaced by G.
Protein change: p.Leu227Val; replaces leucine 227 with valine.
Molecular consequence: missense variant.
Genome position (GRCh38, 1-based): chr18:31,522,238, T>G. VCF-style: chr18-31522238-T-G. GRCh37 (hg19) VCF-style: chr18-29102201-T-G.
Other names: short protein forms L227V.
Identifiers: ClinVar variation 3386577 (VCV003386577.1).

ClinVar aggregate classification (germline): Uncertain significance (1 of 4 stars; one submission).

Conditions:
Arrhythmogenic right ventricular cardiomyopathy (ARVD). Also called: Arrhythmogenic right ventricular dysplasia; Cardiomyopathy, ARVC; Arrhythmogenic cardiomyopathy; Arrhythmogenic Right Ventricular Cardiomyopathy (ARVC). Identifiers: Orphanet 247, MedGen C0349788, MeSH D019571, MONDO:0016587. Disease mechanism: loss of function. Inheritance: Various modes of inheritance.

Submission:

All of Us Research Program, National Institutes of Health
Classification: Uncertain significance for Arrhythmogenic right ventricular cardiomyopathy. Last evaluated: 2024-02-22. Review status: criteria provided, single submitter. Criteria: ACMG Guidelines, 2015. Collection method: clinical testing. Allele origin: germline. Inheritance: Autosomal dominant inheritance. Observed: 1 variant allele, 1 heterozygote.
Comment: This missense variant replaces leucine with valine at codon 227 of the DSG2 protein. Computational prediction is inconclusive regarding the impact of this variant on protein structure and function (internally defined REVEL score threshold 0.5 < inconclusive < 0.7, PMID: 27666373). To our knowledge, functional studies have not been reported for this variant. This variant has not been reported in individuals affected with DSG2-related disorders in the literature. This variant has not been identified in the general population by the Genome Aggregation Database (gnomAD). The available evidence is insufficient to determine the role of this variant in disease conclusively. Therefore, this variant is classified as a Variant of Uncertain Significance.

This study involves interpretation of variants in research participants for the purpose of population health screening. Participant phenotype was not available at the time of variant classification. Additional details can be found in publication PMID: 35346344, PMCID: PMC8962531